The following is an entry in ClinVar:

NM_017654.4(SAMD9):c.198A>C (p.Gln66His)

Gene: SAMD9 (sterile alpha motif domain containing 9; minus strand). Cytogenetic location: 7q21.2.
Variant type: single nucleotide variant.
Coding change: c.198A>C on transcript NM_017654.4 (MANE Select); coding-DNA position 198, A replaced by C.
Protein change: p.Gln66His; replaces glutamine 66 with histidine.
Molecular consequence: missense variant.
Genome position (GRCh38, 1-based): chr7:93,105,900, T>G on the plus strand (A>C on the coding strand, the complement: SAMD9 is on the minus strand). VCF-style: chr7-93105900-T-G. GRCh37 (hg19) VCF-style: chr7-92735213-T-G.
Other names: c.198A>C, p.Gln66His (NM_001193307.2); short protein forms Q66H.
Identifiers: ClinVar variation 3949601 (VCV003949601.1).

ClinVar aggregate classification (germline): Uncertain significance (1 of 4 stars; one submission).

Conditions:
Inborn genetic diseases. Identifiers: MedGen C0950123, MeSH D030342.

Submission:

Ambry Genetics
Classification: Uncertain significance for Inborn genetic diseases. Last evaluated: 2025-05-02. Review status: criteria provided, single submitter. Criteria: Ambry Variant Classification Scheme 2023. Collection method: clinical testing. Allele origin: germline.
Comment: The p.Q66H variant (also known as c.198A>C), located in coding exon 1 of the SAMD9 gene, results from an A to C substitution at nucleotide position 198. The glutamine at codon 66 is replaced by histidine, an amino acid with highly similar properties. This amino acid position is conserved. In addition, this alteration is predicted to be tolerated by in silico analysis. Based on the available evidence, the clinical significance of this variant remains unclear.